The following is an entry in ClinVar:

ClinVar aggregate classification (germline): Uncertain significance (1 of 4 stars; one submission).

gnomAD v4.1: 2 of 1,613,962 alleles (0.00012%); highest among the groups gnomAD compares: Non-Finnish European, 0.00017%; no homozygotes.

Submission:

Labcorp Genetics (formerly Invitae), Labcorp
Classification: Uncertain significance. Last evaluated: 2023-05-21. Review status: criteria provided, single submitter. Criteria: Invitae Variant Classification Sherloc (09022015). Collection method: clinical testing. Allele origin: germline.
Comment: Advanced modeling of protein sequence and biophysical properties (such as structural, functional, and spatial information, amino acid conservation, physicochemical variation, residue mobility, and thermodynamic stability) performed at Invitae indicates that this missense variant is not expected to disrupt AUTS2 protein function. In summary, the available evidence is currently insufficient to determine the role of this variant in disease. Therefore, it has been classified as a Variant of Uncertain Significance. This variant has not been reported in the literature in individuals affected with AUTS2-related conditions. This variant is not present in population databases (gnomAD no frequency). This sequence change replaces glutamine, which is neutral and polar, with proline, which is neutral and non-polar, at codon 369 of the AUTS2 protein (p.Gln369Pro).

NM_015570.4(AUTS2):c.1106A>C (p.Gln369Pro)

Gene: AUTS2 (activator of transcription and developmental regulator AUTS2; plus strand). Cytogenetic location: 7q11.22.
Variant type: single nucleotide variant.
Coding change: c.1106A>C on transcript NM_015570.4 (MANE Select); coding-DNA position 1106, A replaced by C.
Protein change: p.Gln369Pro; replaces glutamine 369 with proline.
Molecular consequence: missense variant.
Genome position (GRCh38, 1-based): chr7:70,763,233, A>C. VCF-style: chr7-70763233-A-C. GRCh37 (hg19) VCF-style: chr7-70228219-A-C.
Other names: c.1106A>C, p.Gln369Pro (NM_001127231.3); short protein forms Q369P.
Identifiers: ClinVar variation 2903886 (VCV002903886.3), dbSNP rs2484641574, ClinGen allele CA367667853.